The following is an entry in ClinVar:

NM_000414.4(HSD17B4):c.280+2T>C

Gene: HSD17B4 (hydroxysteroid 17-beta dehydrogenase 4; plus strand). Cytogenetic location: 5q23.1.
Variant type: single nucleotide variant.
Coding change: c.280+2T>C on transcript NM_000414.4 (MANE Select); the canonical splice donor site of the intron after coding-DNA position 280, T replaced by C.
Molecular consequence: splice donor variant.
Genome position (GRCh38, 1-based): chr5:119,474,462, T>C. VCF-style: chr5-119474462-T-C. GRCh37 (hg19) VCF-style: chr5-118810157-T-C.
Other names: c.-132+2T>C (NM_001374503.1, NM_001374502.1, NM_001374501.1 and 1 more transcripts); c.355+2T>C (NM_001199291.3); c.-1+2T>C (NM_001374499.1); c.-259+2T>C (NM_001374500.1); c.208+2T>C (NM_001292027.2); c.280+2T>C (NM_001374498.1, NM_001374497.1, NM_000414.3); c.226+2T>C (NM_001199292.2).
Identifiers: ClinVar variation 1066269 (VCV001066269.20), dbSNP rs770772281, ClinGen allele CA3381743.

ClinVar aggregate classification (germline): Pathogenic/Likely pathogenic. Review status: criteria provided, multiple submitters, no conflicts (2 of 4 stars). 5 submissions from 5 submitters: Pathogenic (2); Likely pathogenic (3). Last evaluated 2026-07-28.

Conditions:
Bifunctional peroxisomal enzyme deficiency (DBIF). Also called: DBP DEFICIENCY; D-bifunctional protein deficiency; PBFE DEFICIENCY. Identifiers: Orphanet 300, MedGen C0342870, MONDO:0009855, OMIM 261515. Disease mechanism: loss of function.
HSD17B4-related disorder. Also called: HSD17B4-related condition; HSD17B4-related disorders.
Perrault syndrome. Also called: Gonadal dysgenesis with auditory dysfunction, autosomal recessive inheritance. Identifiers: Orphanet 2855, MedGen C0685838, MONDO:0017312.

Allele frequency attached by ClinVar (database versions not stated): TOPMed below 0.00001; gnomAD exomes 0.00001 and 0.00005; ExAC 0.00002.
gnomAD v4.1: 67 of 1,584,078 alleles (0.0042%); highest among the groups gnomAD compares: Non-Finnish European, 0.0056%; no homozygotes.

Submissions (5):

PreventionGenetics, part of Exact Sciences
Classification: Likely pathogenic for HSD17B4-related condition. Last evaluated: 2026-07-28. Review status: criteria provided, single submitter. Criteria: ACMG Guidelines, 2015. Collection method: clinical testing. Allele origin: germline.
Comment: The HSD17B4 c.280+2T>C variant is predicted to disrupt the GT donor site and interfere with normal splicing. This variant was reported in the heterozygous state along with a second potentially causative variant in an individual with D-bifunctional protein deficiency (Diaz-Moreno et al. 2026. PubMed ID: 41367148). This variant is reported in 0.0026% of alleles in individuals of European (Non-Finnish) descent in gnomAD. Variants that disrupt the consensus splice donor site in HSD17B4 are expected to be pathogenic. This variant is interpreted as likely pathogenic.

GeneDx
Classification: Pathogenic. Last evaluated: 2025-12-01. Review status: criteria provided, single submitter. Criteria: GeneDx Variant Classification Process June 2021. Collection method: clinical testing. Allele origin: germline. Affected: yes.
Comment: Canonical splice site variant predicted to result in an in-frame loss of the adjacent exon in a gene for which loss of function is a known mechanism of disease; Not observed at significant frequency in large population cohorts (gnomAD); Has not been previously published as pathogenic or benign to our knowledge

Natera, Inc.
Classification: Likely pathogenic for Bifunctional peroxisomal enzyme deficiency. Last evaluated: 2025-05-21. Review status: criteria provided, single submitter. Criteria: Natera Variant Classification Schema (03/2026). Collection method: clinical testing. Allele origin: germline.
Comment: The c.280+2T>C variant in HSD17B4 is a canonical splice donor site variant predicted to affect pre-mRNA splicing, which may result in an abnormal transcript and altered protein product. This variant is expected to result in nonsense mediated decay, truncation, or a dysfunctional protein product. This variant is rare in the general population with a frequency below the threshold expected for the associated phenotype(s). Given the available evidence, this variant is classified as Likely Pathogenic.

Labcorp Genetics (formerly Invitae), Labcorp
Classification: Likely pathogenic for Perrault syndrome; Bifunctional peroxisomal enzyme deficiency. Last evaluated: 2024-12-18. Review status: criteria provided, single submitter. Criteria: Invitae Variant Classification Sherloc (09022015). Collection method: clinical testing. Allele origin: germline.
Comment: This sequence change affects a donor splice site in intron 4 of the HSD17B4 gene. It is expected to disrupt RNA splicing. Variants that disrupt the donor or acceptor splice site typically lead to a loss of protein function (PMID: 16199547), and loss-of-function variants in HSD17B4 are known to be pathogenic (PMID: 11810648, 16385454, 20673864). This variant is present in population databases (rs770772281, gnomAD 0.003%). This variant has not been reported in the literature in individuals affected with HSD17B4-related conditions. ClinVar contains an entry for this variant (Variation ID: 1066269). Algorithms developed to predict the effect of sequence changes on RNA splicing suggest that this variant may disrupt the consensus splice site. In summary, the currently available evidence indicates that the variant is pathogenic, but additional data are needed to prove that conclusively. Therefore, this variant has been classified as Likely Pathogenic.

Baylor Genetics
Classification: Pathogenic for Bifunctional peroxisomal enzyme deficiency. Last evaluated: 2024-03-13. Review status: criteria provided, single submitter. Criteria: ACMG Guidelines, 2015. Collection method: clinical testing. Allele origin: unknown.

Literature cited by the submitters: PubMed 16199547 (cited by Labcorp Genetics (formerly Invitae), Labcorp); PubMed 11810648 (cited by Labcorp Genetics (formerly Invitae), Labcorp); PubMed 16385454 (cited by Labcorp Genetics (formerly Invitae), Labcorp); PubMed 20673864 (cited by Labcorp Genetics (formerly Invitae), Labcorp).